The following is an entry in ClinVar:

ClinVar aggregate classification (germline): Uncertain significance. Review status: criteria provided, multiple submitters, no conflicts (2 of 4 stars). 3 submissions from 3 submitters: Uncertain significance (3). Last evaluated 2023-06-21.

Conditions:
Inborn genetic diseases. Identifiers: MedGen C0950123, MeSH D030342.
Epidermolysis bullosa simplex 5B, with muscular dystrophy (EBS5B). Also called: Epidermolysis bullosa simplex with muscular dystrophy; EPIDERMOLYSIS BULLOSA SIMPLEX AND LIMB-GIRDLE MUSCULAR DYSTROPHY. Identifiers: Orphanet 257, MedGen C2931072, MONDO:0009181, OMIM 226670.
Epidermolysis bullosa simplex 5C, with pyloric atresia (EBS5C). Also called: Epidermolysis bullosa simplex with pyloric atresia; PLEC-Related Epidermolysis Bullosa with Pyloric Atresia; PLEC1-Related Epidermolysis Bullosa with Pyloric Atresia. Identifiers: Orphanet 158684, MedGen C2677349, MONDO:0012807, OMIM 612138.
Epidermolysis bullosa simplex with nail dystrophy (EBS5D). Identifiers: MedGen C4225309, MONDO:0014661, OMIM 616487.
Autosomal recessive limb-girdle muscular dystrophy type 2Q (LGMDR17). Also called: MUSCULAR DYSTROPHY, LIMB-GIRDLE, AUTOSOMAL RECESSIVE 17. Identifiers: Orphanet 254361, MedGen C3150989, MONDO:0013390, OMIM 613723.
Epidermolysis bullosa simplex, Ogna type (EBS5A). Also called: Pidermolysis bullosa simplex 5A, Ogna type; EPIDERMOLYSIS BULLOSA SIMPLEX 5A, OGNA TYPE. Identifiers: Orphanet 79401, MedGen C0432317, MONDO:0007555, OMIM 131950.

Allele frequency attached by ClinVar (database versions not stated): gnomAD exomes 0.00002 and 0.00003; ExAC 0.00003; gnomAD 0.00004 and 0.00005; TOPMed 0.00004; ESP Exome Variant Server 0.00008.
gnomAD v4.1: 32 of 1,610,484 alleles (0.002%); highest among the groups gnomAD compares: Non-Finnish European, 0.0025%; no homozygotes.

Submissions (3):

Revvity Omics, Revvity
Classification: Uncertain significance. Last evaluated: 2023-06-21. Review status: criteria provided, single submitter. Criteria: ACMG Guidelines, 2015. Collection method: clinical testing. Allele origin: germline.

Labcorp Genetics (formerly Invitae), Labcorp
Classification: Uncertain significance for Autosomal recessive limb-girdle muscular dystrophy type 2Q; Epidermolysis bullosa simplex, Ogna type; Epidermolysis bullosa simplex with nail dystrophy; Epidermolysis bullosa simplex 5C, with pyloric atresia; Epidermolysis bullosa simplex 5B, with muscular dystrophy. Last evaluated: 2023-06-04. Review status: criteria provided, single submitter. Criteria: Invitae Variant Classification Sherloc (09022015). Collection method: clinical testing. Allele origin: germline.
Comment: This sequence change replaces glutamic acid, which is acidic and polar, with lysine, which is basic and polar, at codon 3107 of the PLEC protein (p.Glu3107Lys). An algorithm developed to predict the effect of missense changes on protein structure and function (PolyPhen-2) suggests that this variant is likely to be disruptive. ClinVar contains an entry for this variant (Variation ID: 1358601). This variant has not been reported in the literature in individuals affected with PLEC-related conditions. This variant is present in population databases (rs369063949, gnomAD 0.006%). In summary, the available evidence is currently insufficient to determine the role of this variant in disease. Therefore, it has been classified as a Variant of Uncertain Significance.

Ambry Genetics
Classification: Uncertain significance for Inborn genetic diseases. Last evaluated: 2022-12-19. Review status: criteria provided, single submitter. Criteria: Ambry Variant Classification Scheme 2023. Collection method: clinical testing. Allele origin: germline.

NM_201384.3(PLEC):c.9238G>A (p.Glu3080Lys)

Gene: PLEC (plectin; minus strand). Cytogenetic location: 8q24.3.
Variant type: single nucleotide variant.
Coding change: c.9238G>A on transcript NM_201384.3 (MANE Select); coding-DNA position 9238, G replaced by A.
Protein change: p.Glu3080Lys; replaces glutamic acid 3080 with lysine.
Molecular consequence: missense variant.
Genome position (GRCh38, 1-based): chr8:143,920,583, C>T on the plus strand (G>A on the coding strand, the complement: PLEC is on the minus strand). VCF-style: chr8-143920583-C-T. GRCh37 (hg19) VCF-style: chr8-144994751-C-T.
Other names: c.9319G>A, p.Glu3107Lys (NM_000445.5); c.9196G>A, p.Glu3066Lys (NM_201378.4); c.9172G>A, p.Glu3058Lys (NM_201379.3); c.9649G>A, p.Glu3217Lys (NM_201380.4); c.9142G>A, p.Glu3048Lys (NM_201381.3); c.9238G>A, p.Glu3080Lys (NM_201382.4); c.9250G>A, p.Glu3084Lys (NM_201383.3); c.9319G>A (NM_000445.3); short protein forms E3058K, E3084K, E3066K, E3217K, E3048K, E3080K, E3107K.
Identifiers: ClinVar variation 1358601 (VCV001358601.11), dbSNP rs369063949, ClinGen allele CA4925026.
Genomic context (GRCh38, chr8:143,920,583, plus strand): 5'-TCTCGGCTGATAGCAGCTTCTCATGAAACTCGGGGCCCACCAGGCCAGCACGCACTGCCT[C>T]GTCCACGGTCAGCCGGGCGCTGGTGGCGGGGTCGATGATGTGCCCGGTGCCGGCCTGGGC-3'
Protein context (NP_958786.1, residues 3070-3090): PATSARLTVD[Glu3080Lys]AVRAGLVGPE